The following is an entry in ClinVar:

ClinVar aggregate classification (germline): Conflicting classifications of pathogenicity. Review status: criteria provided, conflicting classifications (1 of 4 stars). 5 submissions from 5 submitters: Uncertain significance (3); Benign (1); Likely benign (1). Last evaluated 2025-08-18.

Conditions:
Hereditary cancer-predisposing syndrome. Also called: Tumor predisposition; Neoplastic Syndromes, Hereditary; Hereditary neoplastic syndrome; Hereditary Cancer Syndrome. Identifiers: Orphanet 140162, MedGen C0027672, MeSH D009386, MONDO:0015356.
Neurofibromatosis, type 2 (SWNV). Also called: NF2-Related Schwannomatosis; BILATERAL ACOUSTIC NEUROFIBROMATOSIS; SCHWANNOMATOSIS, VESTIBULAR. Identifiers: Orphanet 637, MedGen C0027832, MONDO:0007039, OMIM 101000. Disease mechanism: loss of function.

Allele frequency attached by ClinVar (database versions not stated): gnomAD exomes below 0.00001 and 0.00001; ExAC 0.00002; gnomAD 0.00004; TOPMed 0.00004.
gnomAD v4.1: 9 of 1,614,034 alleles (0.00056%); highest among the groups gnomAD compares: African/African-American, 0.011%; no homozygotes.

Submissions (5):

Labcorp Genetics (formerly Invitae), Labcorp
Classification: Likely benign for Neurofibromatosis, type 2. Last evaluated: 2025-08-18. Review status: criteria provided, single submitter. Criteria: Invitae Variant Classification Sherloc (09022015). Collection method: clinical testing. Allele origin: germline.

St. Jude Molecular Pathology, St. Jude Children's Research Hospital
Classification: Uncertain significance for Neurofibromatosis, type 2. Last evaluated: 2024-08-02. Review status: criteria provided, single submitter. Criteria: St. Jude Assertion Criteria 2020. Collection method: clinical testing. Allele origin: germline.
Comment: The NF2 c.662A>G (p.Tyr221Cys) missense variant has a maximum subpopulation frequency of 0.016% in gnomAD v2.1.1. The in silico tool REVEL predicts a deleterious effect on protein function, but to our knowledge this prediction has not been confirmed by functional studies. This variant has been reported in the literature in at least one individual with breast cancer (PMID: 29625052). To our knowledge, this variant has not been reported in the literature in individuals with Neurofibromatosis type 2. In summary, the evidence currently available is insufficient to determine the clinical significance of this variant. It has therefore been classified as of uncertain significance.

All of Us Research Program, National Institutes of Health
Classification: Uncertain significance for Neurofibromatosis, type 2. Last evaluated: 2024-06-11. Review status: criteria provided, single submitter. Criteria: ACMG Guidelines, 2015. Collection method: clinical testing. Allele origin: germline. Inheritance: Autosomal dominant inheritance. Observed: 1 variant allele, 1 heterozygote.
Comment: This study involves interpretation of variants in research participants for the purpose of population health screening. Participant phenotype was not available at the time of variant classification. Additional details can be found in publication PMID: 35346344, PMCID: PMC8962531

Ambry Genetics
Classification: Benign for Hereditary cancer-predisposing syndrome. Last evaluated: 2022-03-01. Review status: criteria provided, single submitter. Criteria: Ambry Variant Classification Scheme 2023. Collection method: clinical testing. Allele origin: germline.

Genome-Nilou Lab
Classification: Uncertain significance for Neurofibromatosis, type 2. Last evaluated: 2021-11-07. Review status: criteria provided, single submitter. Criteria: ACMG Guidelines, 2015. Collection method: clinical testing. Allele origin: germline. Affected: no.

NM_000268.4(NF2):c.662A>G (p.Tyr221Cys)

Gene: NF2 (NF2, moesin-ezrin-radixin like (MERLIN) tumor suppressor; plus strand). Cytogenetic location: 22q12.2.
Variant type: single nucleotide variant.
Coding change: c.662A>G on transcript NM_000268.4 (MANE Select); coding-DNA position 662, A replaced by G.
Protein change: p.Tyr221Cys; replaces tyrosine 221 with cysteine.
Molecular consequence: missense variant. On other transcripts: non-coding transcript variant (1), intron variant (1).
Genome position (GRCh38, 1-based): chr22:29,658,251, A>G. VCF-style: chr22-29658251-A-G. GRCh37 (hg19) VCF-style: chr22-30054240-A-G.
Other names: c.662A>G, p.Tyr221Cys (NM_016418.5, NM_181825.3, NM_181832.3); c.536A>G, p.Tyr179Cys (NM_181828.3); c.539A>G, p.Tyr180Cys (NM_181829.3); c.413A>G, p.Tyr138Cys (NM_181830.3, NM_181831.3); c.447+15966A>G (NM_181833.3); short protein forms Y221C, Y179C, Y180C, Y138C.
Identifiers: ClinVar variation 572959 (VCV000572959.16), dbSNP rs746025177, ClinGen allele CA034569.